The following is an entry in ClinVar:

ClinVar aggregate classification (germline): Benign (1 of 4 stars; one submission).

Conditions:
Cataract 4 multiple types. Also called: CATARACT 4, PUNCTATE; CATARACT 4, CRYSTALLINE; CATARACT 4, CENTRAL NUCLEAR; CATARACT 4, NONNUCLEAR POLYMORPHIC CONGENITAL; CATARACT 4, ACULEIFORM; CATARACT 4, MULTIPLE TYPES, WITH OR WITHOUT MICROCORNEA. Identifiers: Orphanet 1377, MedGen C3540850, MONDO:0007281, OMIM 115700.

Allele frequency attached by ClinVar (database versions not stated): gnomAD 0.00001; TOPMed 0.00002.

Submission:

Illumina Laboratory Services, Illumina
Classification: Benign for Cataract 4 multiple types. Last evaluated: 2018-01-12. Review status: criteria provided, single submitter. Criteria: ICSL Variant Classification Criteria 13 December 2019. Collection method: clinical testing. Allele origin: germline.
Comment: This variant was observed in the ICSL laboratory as part of a predisposition screen in an ostensibly healthy population. It had not been previously curated by ICSL or reported in the Human Gene Mutation Database (HGMD: prior to June 1st, 2018), and was therefore a candidate for classification through an automated scoring system. Utilizing variant allele frequency, disease prevalence and penetrance estimates, and inheritance mode, an automated score was calculated to assess if this variant is too frequent to cause the disease. Based on the score and internal cut-off values, a variant classified as benign is not then subjected to further curation. The score for this variant resulted in a classification of benign for this disease.

NM_006891.4(CRYGD):c.192C>G (p.Ala64=)

Genes: CRYGD (crystallin gamma D; minus strand), LOC100507443 (uncharacterized LOC100507443; plus strand). Cytogenetic location: 2q33.3.
Variant type: single nucleotide variant.
Coding change: c.192C>G on transcript NM_006891.4 (MANE Select); coding-DNA position 192, C replaced by G.
Protein change: p.Ala64=; no amino-acid change (alanine 64 retained).
Molecular consequence: synonymous variant.
Genome position (GRCh38, 1-based): chr2:208,124,172, G>C on the plus strand (C>G on the coding strand, the complement: CRYGD is on the minus strand). VCF-style: chr2-208124172-G-C. GRCh37 (hg19) VCF-style: chr2-208988896-G-C.
Identifiers: ClinVar variation 897169 (VCV000897169.4), dbSNP rs766003243, ClinGen allele CA2077707.